The following is an entry in ClinVar:

ClinVar aggregate classification (germline): Uncertain significance (1 of 4 stars; one submission).

Conditions:
Leber congenital amaurosis 2 (LCA2). Also called: AMAUROSIS CONGENITA OF LEBER II; Autosomal Recessive RPE65-Related Retinal Degeneration. Identifiers: Orphanet 65, MedGen C1859844, MONDO:0008765, OMIM 204100. Disease mechanism: loss of function.
Retinitis pigmentosa 20 (RP20). Identifiers: Orphanet 791, MedGen C3151086, MONDO:0013425, OMIM 613794.

gnomAD v4.1: 1 of 1,613,736 alleles (0.000062%); highest among the groups gnomAD compares: Non-Finnish European, 0.000085%; no homozygotes.

Submission:

Labcorp Genetics (formerly Invitae), Labcorp
Classification: Uncertain significance for Leber congenital amaurosis 2; Retinitis pigmentosa 20. Last evaluated: 2019-08-26. Review status: criteria provided, single submitter. Criteria: Invitae Variant Classification Sherloc (09022015). Collection method: clinical testing. Allele origin: germline.
Comment: In summary, the available evidence is currently insufficient to determine the role of this variant in disease. Therefore, it has been classified as a Variant of Uncertain Significance. This variant disrupts the p.Pro470 amino acid residue in RPE65. Other variant(s) that disrupt this residue have been observed in individuals with RPE65-related conditions (PMID: 18484312), which suggests that this may be a clinically significant amino acid residue. Algorithms developed to predict the effect of missense changes on protein structure and function are either unavailable or do not agree on the potential impact of this missense change (SIFT: "Deleterious"; PolyPhen-2: "Probably Damaging"; Align-GVGD: "Class C0"). This variant is not present in population databases (ExAC no frequency). This sequence change replaces proline with histidine at codon 470 of the RPE65 protein (p.Pro470His). The proline residue is highly conserved and there is a moderate physicochemical difference between proline and histidine.

Literature cited by the submitters: PubMed 18484312.

NM_000329.3(RPE65):c.1409C>A (p.Pro470His)

Gene: RPE65 (retinoid isomerohydrolase RPE65; minus strand). Cytogenetic location: 1p31.3.
Variant type: single nucleotide variant.
Coding change: c.1409C>A on transcript NM_000329.3 (MANE Select); coding-DNA position 1409, C replaced by A.
Protein change: p.Pro470His; replaces proline 470 with histidine.
Molecular consequence: missense variant.
Genome position (GRCh38, 1-based): chr1:68,431,106, G>T on the plus strand (C>A on the coding strand, the complement: RPE65 is on the minus strand). VCF-style: chr1-68431106-G-T. GRCh37 (hg19) VCF-style: chr1-68896789-G-T.
Other names: short protein forms P470H.
Identifiers: ClinVar variation 954785 (VCV000954785.9), dbSNP rs774211361, ClinGen allele CA340741902.